The following is an entry in ClinVar:

NM_001366385.1(CARD14):c.2219+14T>A

Genes: CARD14 (caspase recruitment domain family member 14; plus strand), SGSH (N-sulfoglucosamine sulfohydrolase; minus strand). Cytogenetic location: 17q25.3.
Variant type: single nucleotide variant.
Coding change: c.2219+14T>A on transcript NM_001366385.1 (MANE Select); 14 bases into the intron after coding-DNA position 2219, T replaced by A.
Molecular consequence: intron variant. On other transcripts: 3 prime UTR variant (1).
Genome position (GRCh38, 1-based): chr17:80,202,434, T>A. VCF-style: chr17-80202434-T-A. GRCh37 (hg19) VCF-style: chr17-78176233-T-A.
Other names: c.*10T>A (NM_001257970.1); c.2219+14T>A (NM_024110.4).
Identifiers: ClinVar variation 402482 (VCV000402482.24), dbSNP rs8069255, ClinGen allele CA8817218.
Genomic context (GRCh38, chr17:80,202,434, plus strand): 5'-ACCATGAAGGATACTGCCGCGCACGGCACCATCCCCAACTACTCCAGGTGAGCAGCTGCC[T>A]CGAGCTCGGTGCGTCCCCAGAGAGGCCCACAGGGAAATGGCACCCAGCCTGCCTCGGCTT-3'

ClinVar aggregate classification (germline): Conflicting classifications of pathogenicity. Review status: criteria provided, conflicting classifications (1 of 4 stars). 10 submissions from 9 submitters: Uncertain significance (1); Benign (8); Likely benign (1). Last evaluated 2026-02-04.

Conditions:
Pityriasis rubra pilaris (PRP). Also called: Pityriasis rubra pilaris--familial type. Identifiers: Orphanet 2897, MedGen C0032027, MONDO:0100017, OMIM 173200, MONDO:0008251.
Psoriasis 2. Identifiers: MedGen C1864497, MONDO:0011269, OMIM 602723.

Allele frequency attached by ClinVar (database versions not stated): 1000 Genomes Project 30x 0.35525; 1000 Genomes Project 0.35623; TOPMed 0.39975; ESP Exome Variant Server 0.41597.
gnomAD v4.1: 757,109 of 1,604,700 alleles (47%); highest among the groups gnomAD compares: East Asian, 54%; 184,171 homozygotes.

Submissions (10):

Labcorp Genetics (formerly Invitae), Labcorp
Classification: Benign for Pityriasis rubra pilaris; Psoriasis 2. Last evaluated: 2026-02-04. Review status: criteria provided, single submitter. Criteria: Invitae Variant Classification Sherloc (09022015). Collection method: clinical testing. Allele origin: germline.

Women's Health and Genetics/Laboratory Corporation of America, LabCorp
Classification: Benign. Last evaluated: 2026-01-21. Review status: criteria provided, single submitter. Criteria: LabCorp Variant Classification Summary - May 2015. Collection method: clinical testing. Allele origin: germline.

Blueprint Genetics
Classification: Likely benign. Last evaluated: 2024-11-28. Review status: criteria provided, single submitter. Criteria: ACMG Guidelines, 2015. Collection method: clinical testing. Allele origin: germline.

Unidad de Genómica Garrahan, Hospital de Pediatría Garrahan
Classification: Benign. Last evaluated: 2023-11-12. Review status: criteria provided, single submitter. Criteria: ACMG Guidelines, 2015. Collection method: clinical testing. Allele origin: germline. Affected: no. Observed: 59 variant alleles.
Comment: This variant is classified as Benign based on local population frequency. This variant was detected in 61% of patients studied by a panel of primary immunodeficiencies. Number of patients: 59. Only high quality variants are reported.

Genome-Nilou Lab
Classification: Benign for Pityriasis rubra pilaris. Last evaluated: 2021-07-14. Review status: criteria provided, single submitter. Criteria: ACMG Guidelines, 2015. Collection method: clinical testing. Allele origin: germline. Affected: no.

Genome-Nilou Lab
Classification: Benign for Psoriasis 2. Last evaluated: 2021-07-14. Review status: criteria provided, single submitter. Criteria: ACMG Guidelines, 2015. Collection method: clinical testing. Allele origin: germline. Affected: no.

GeneDx
Classification: Benign. Last evaluated: 2018-07-09. Review status: criteria provided, single submitter. Criteria: GeneDx Variant Classification Process June 2021. Collection method: clinical testing. Allele origin: germline. Affected: yes.

Laboratory for Molecular Medicine, Mass General Brigham Personalized Medicine
Classification: Benign. Last evaluated: 2016-03-28. Review status: criteria provided, single submitter. Criteria: LMM Criteria. Collection method: clinical testing. Allele origin: germline.
Comment: Variant identified in a genome or exome case(s) and assessed due to predicted null impact of the variant or pathogenic assertions in the literature or databases. Disclaimer: This variant has not undergone full assessment. The following are preliminary notes: Frequency

Breakthrough Genomics
Classification: Benign. Review status: criteria provided, single submitter. Criteria: ACMG Guidelines, 2015. Collection method: not provided. Allele origin: germline. Inheritance: Autosomal dominant inheritance. Affected: yes.

Clinical Genomics, Uppaluri K&H Personalized Medicine Clinic
Classification: Uncertain significance for Pityriasis rubra pilaris. Review status: criteria provided, single submitter. Criteria: K &amp; H Uppaluri Personalized Medicine Clinic Variant Classification &amp; Assertion Criteria_Updated V.1. Collection method: clinical testing. Allele origin: germline. Inheritance: Autosomal dominant inheritance. Affected: yes. Observed: 1 heterozygote.
Comment: CARD14 is a scaffold protein that mediates NF-κB signal transduction in skin keratinocytes. Potent mutations in Card14 have been shown to be associated with familial pustular psoriasis and other cutaneous inflammatory conditions like Pytriasis rubra pilaris. However, the role of rs8069255 is yet to be ascertained.

Literature cited by the submitters: PubMed 31971603 (cited by Clinical Genomics, Uppaluri K&H Personalized Medicine Clinic); PubMed 22521419 (cited by Clinical Genomics, Uppaluri K&H Personalized Medicine Clinic); PubMed 26203641 (cited by Clinical Genomics, Uppaluri K&H Personalized Medicine Clinic); PubMed 36221432 (cited by Clinical Genomics, Uppaluri K&H Personalized Medicine Clinic); PubMed 36174714 (cited by Clinical Genomics, Uppaluri K&H Personalized Medicine Clinic).